The following is an entry in ClinVar:

ClinVar aggregate classification (germline): Likely benign (1 of 4 stars; one submission).

Conditions:
B-cell immunodeficiency, distal limb anomalies, and urogenital malformations. Also called: BILU SYNDROME; HOFFMAN SYNDROME. Identifiers: Orphanet 567502, MedGen C1836437, MONDO:0012243, OMIM 609296.

Submission:

Centre for Medical Genetics,  Mumbai
Classification: Likely benign for B-cell immunodeficiency, distal limb anomalies, and urogenital malformations. Last evaluated: 2026-05-13. Review status: criteria provided, single submitter. Criteria: ACMG Guidelines, 2015. Collection method: provider interpretation. Allele origin: germline. Inheritance: Autosomal dominant inheritance. Affected: no. Observed: 1 variant allele, 1 heterozygote.
Comment: The variant satisfies PM2 criteria - extremely low frequency in gnomAD population databases. The variant satisfies PP3 criteria - for a missense or a splicing region variant, computational prediction tools unanimously support a deleterious effect on the gene. However, the variant satisfies BS2 criteria - present in heterozygous state in an individual that clinically does not have B-cell immunodeficiency, distal limb anomalies, and urogenital malformations.

Literature cited by the submitters: PubMed 609296.

NM_001330700.2(TOP2B):c.2727+3A>G

Gene: TOP2B (DNA topoisomerase II beta; minus strand). Cytogenetic location: 3p24.2.
Variant type: single nucleotide variant.
Coding change: c.2727+3A>G on transcript NM_001330700.2 (MANE Select); 3 bases into the intron after coding-DNA position 2727, A replaced by G.
Molecular consequence: intron variant.
Genome position (GRCh38, 1-based): chr3:25,623,512, T>C on the plus strand (A>G on the coding strand, the complement: TOP2B is on the minus strand). VCF-style: chr3-25623512-T-C. GRCh37 (hg19) VCF-style: chr3-25665003-T-C.
Other names: c.2712+3A>G (NM_001068.3).
Identifiers: ClinVar variation 4852316 (VCV004852316.1).